The following is an entry in ClinVar:

NM_000465.4(BARD1):c.1077G>T (p.Leu359Phe)

Gene: BARD1 (BRCA1 associated RING domain 1; minus strand). Cytogenetic location: 2q35.
Variant type: single nucleotide variant.
Coding change: c.1077G>T on transcript NM_000465.4 (MANE Select); coding-DNA position 1077, G replaced by T.
Protein change: p.Leu359Phe; replaces leucine 359 with phenylalanine.
Molecular consequence: missense variant. On other transcripts: non-coding transcript variant (2), intron variant (3).
Genome position (GRCh38, 1-based): chr2:214,780,797, C>A on the plus strand (G>T on the coding strand, the complement: BARD1 is on the minus strand). VCF-style: chr2-214780797-C-A. GRCh37 (hg19) VCF-style: chr2-215645521-C-A.
Other names: c.1020G>T, p.Leu340Phe (NM_001282543.2); c.159-28242G>T (NM_001282548.2); c.215+16264G>T (NM_001282545.2); c.364+11500G>T (NM_001282549.2); short protein forms L359F, L340F.
Identifiers: ClinVar variation 219861 (VCV000219861.14), dbSNP rs864622283, ClinGen allele CA348822.

ClinVar aggregate classification (germline): Conflicting classifications of pathogenicity. Review status: criteria provided, conflicting classifications (1 of 4 stars). 3 submissions from 3 submitters: Uncertain significance (2); Benign (1). Last evaluated 2026-02-16.

Conditions:
Hereditary cancer-predisposing syndrome. Also called: Tumor predisposition; Hereditary neoplastic syndrome; Hereditary Cancer Syndrome; Neoplastic Syndromes, Hereditary. Identifiers: Orphanet 140162, MedGen C0027672, MeSH D009386, MONDO:0015356.
Ovarian cancer. Also called: OVARIAN CANCER, SOMATIC. Identifiers: Orphanet 213500, MedGen C1140680, MONDO:0008170, OMIM 167000.
Familial cancer of breast. Also called: BREAST CANCER, FAMILIAL; hereditary breast carcinoma; Hereditary breast cancer. Identifiers: Orphanet 227535, MedGen C0346153, MONDO:0016419, OMIM 114480. Disease mechanism: loss of function.

Submissions (3):

Ambry Genetics
Classification: Uncertain significance for Hereditary cancer-predisposing syndrome. Last evaluated: 2026-02-16. Review status: criteria provided, single submitter. Criteria: Ambry Variant Classification Scheme 2023. Collection method: clinical testing. Allele origin: germline.

Labcorp Genetics (formerly Invitae), Labcorp
Classification: Uncertain significance for Familial cancer of breast. Last evaluated: 2024-05-13. Review status: criteria provided, single submitter. Criteria: Invitae Variant Classification Sherloc (09022015). Collection method: clinical testing. Allele origin: germline.
Comment: This sequence change replaces leucine, which is neutral and non-polar, with phenylalanine, which is neutral and non-polar, at codon 359 of the BARD1 protein (p.Leu359Phe). This variant is not present in population databases (gnomAD no frequency). This variant has not been reported in the literature in individuals affected with BARD1-related conditions. ClinVar contains an entry for this variant (Variation ID: 219861). An algorithm developed to predict the effect of missense changes on protein structure and function (PolyPhen-2) suggests that this variant is likely to be disruptive. In summary, the available evidence is currently insufficient to determine the role of this variant in disease. Therefore, it has been classified as a Variant of Uncertain Significance.

Laboratory of Molecular Epidemiology of Birth Defects, West China Second University Hospital, Sichuan University
Classification: Benign for Ovarian cancer. Last evaluated: 2022-01-01. Review status: criteria provided, single submitter. Criteria: ACMG Guidelines, 2015. Collection method: clinical testing. Allele origin: germline. Affected: yes.